The following is an entry in ClinVar:

ClinVar aggregate classification (germline): Uncertain significance (1 of 4 stars; one submission).

Conditions:
LAMA2-related muscular dystrophy (LAMA2-RD). Also called: Laminin alpha 2-related dystrophy. Identifiers: MedGen C5679788, MONDO:0100228.

Submission:

Labcorp Genetics (formerly Invitae), Labcorp
Classification: Uncertain significance for LAMA2-related muscular dystrophy. Last evaluated: 2024-01-22. Review status: criteria provided, single submitter. Criteria: Invitae Variant Classification Sherloc (09022015). Collection method: clinical testing. Allele origin: germline.
Comment: This sequence change replaces valine, which is neutral and non-polar, with isoleucine, which is neutral and non-polar, at codon 2210 of the LAMA2 protein (p.Val2210Ile). This variant is not present in population databases (gnomAD no frequency). This variant has not been reported in the literature in individuals affected with LAMA2-related conditions. ClinVar contains an entry for this variant (Variation ID: 1439284). Advanced modeling of protein sequence and biophysical properties (such as structural, functional, and spatial information, amino acid conservation, physicochemical variation, residue mobility, and thermodynamic stability) performed at Invitae indicates that this missense variant is not expected to disrupt LAMA2 protein function with a negative predictive value of 95%. In summary, the available evidence is currently insufficient to determine the role of this variant in disease. Therefore, it has been classified as a Variant of Uncertain Significance.

NM_000426.4(LAMA2):c.6628G>A (p.Val2210Ile)

Gene: LAMA2 (laminin subunit alpha 2; plus strand). Cytogenetic location: 6q22.33.
Variant type: single nucleotide variant.
Coding change: c.6628G>A on transcript NM_000426.4 (MANE Select); coding-DNA position 6628, G replaced by A.
Protein change: p.Val2210Ile; replaces valine 2210 with isoleucine.
Molecular consequence: missense variant.
Genome position (GRCh38, 1-based): chr6:129,454,209, G>A. VCF-style: chr6-129454209-G-A. GRCh37 (hg19) VCF-style: chr6-129775354-G-A.
Other names: c.6628G>A, p.Val2210Ile (NM_001079823.2); short protein forms V2210I.
Identifiers: ClinVar variation 1439284 (VCV001439284.6), dbSNP rs2114790891, ClinGen allele CA365617042.